The following is an entry in ClinVar:

NM_000069.3(CACNA1S):c.5302C>T (p.His1768Tyr)

Gene: CACNA1S (calcium voltage-gated channel subunit alpha1 S; minus strand). Cytogenetic location: 1q32.1.
Variant type: single nucleotide variant.
Coding change: c.5302C>T on transcript NM_000069.3 (MANE Select); coding-DNA position 5302, C replaced by T.
Protein change: p.His1768Tyr; replaces histidine 1768 with tyrosine.
Molecular consequence: missense variant.
Genome position (GRCh38, 1-based): chr1:201,040,299, G>A on the plus strand (C>T on the coding strand, the complement: CACNA1S is on the minus strand). VCF-style: chr1-201040299-G-A. GRCh37 (hg19) VCF-style: chr1-201009427-G-A.
Other names: c.5302C>T (NM_000069.2); short protein forms H1768Y.
Identifiers: ClinVar variation 3758766 (VCV003758766.3).

ClinVar aggregate classification (germline): Uncertain significance. Review status: criteria provided, multiple submitters, no conflicts (2 of 4 stars). 2 submissions from 2 submitters: Uncertain significance (2). Last evaluated 2024-12-29.

Conditions:
Inborn genetic diseases. Identifiers: MedGen C0950123, MeSH D030342.
Hypokalemic periodic paralysis, type 1. Also called: Hypokalemic Periodic Paralysis Type 1 (AD); HypoPP. Identifiers: Orphanet 681, MedGen C3714580, MONDO:0042979, OMIM 170400.
Malignant hyperthermia, susceptibility to, 5 (MHS5). Also called: CACNA1S-Related Malignant Hyperthermia Susceptibility. Identifiers: Orphanet 423, MedGen C1866077, MONDO:0011163, OMIM 601887.

gnomAD v4.1: 2 of 1,613,806 alleles (0.00012%); no homozygotes.

Submissions (2):

Ambry Genetics
Classification: Uncertain significance for Inborn genetic diseases. Last evaluated: 2024-12-29. Review status: criteria provided, single submitter. Criteria: Ambry Variant Classification Scheme 2023. Collection method: clinical testing. Allele origin: germline.

Labcorp Genetics (formerly Invitae), Labcorp
Classification: Uncertain significance for Hypokalemic periodic paralysis, type 1; Malignant hyperthermia, susceptibility to, 5. Last evaluated: 2024-04-02. Review status: criteria provided, single submitter. Criteria: Invitae Variant Classification Sherloc (09022015). Collection method: clinical testing. Allele origin: germline.
Comment: This sequence change replaces histidine, which is basic and polar, with tyrosine, which is neutral and polar, at codon 1768 of the CACNA1S protein (p.His1768Tyr). This variant is not present in population databases (gnomAD no frequency). This variant has not been reported in the literature in individuals affected with CACNA1S-related conditions. Advanced modeling of protein sequence and biophysical properties (such as structural, functional, and spatial information, amino acid conservation, physicochemical variation, residue mobility, and thermodynamic stability) performed at Invitae indicates that this missense variant is not expected to disrupt CACNA1S protein function with a negative predictive value of 95%. In summary, the available evidence is currently insufficient to determine the role of this variant in disease. Therefore, it has been classified as a Variant of Uncertain Significance.